The following is an entry in ClinVar:

NM_001017995.3(SH3PXD2B):c.2680G>A (p.Gly894Arg)

Gene: SH3PXD2B (SH3 and PX domains 2B; minus strand). Cytogenetic location: 5q35.1.
Variant type: single nucleotide variant.
Coding change: c.2680G>A on transcript NM_001017995.3 (MANE Select); coding-DNA position 2680, G replaced by A.
Protein change: p.Gly894Arg; replaces glycine 894 with arginine.
Molecular consequence: missense variant. On other transcripts: intron variant (1).
Genome position (GRCh38, 1-based): chr5:172,338,425, C>T on the plus strand (G>A on the coding strand, the complement: SH3PXD2B is on the minus strand). VCF-style: chr5-172338425-C-T. GRCh37 (hg19) VCF-style: chr5-171765429-C-T.
Other names: c.1188+7711G>A (NM_001308175.2); short protein forms G894R.
Identifiers: ClinVar variation 1525059 (VCV001525059.4), dbSNP rs774654339, ClinGen allele CA3560908.

ClinVar aggregate classification (germline): Uncertain significance (1 of 4 stars; one submission).

Allele frequency attached by ClinVar (database versions not stated): TOPMed below 0.00001; gnomAD 0.00001; gnomAD exomes 0.00001; ExAC 0.00002.
gnomAD v4.1: 21 of 1,614,102 alleles (0.0013%); highest among the groups gnomAD compares: East Asian, 0.0067%; no homozygotes.

Submission:

Labcorp Genetics (formerly Invitae), Labcorp
Classification: Uncertain significance. Last evaluated: 2026-01-14. Review status: criteria provided, single submitter. Criteria: Invitae Variant Classification Sherloc (09022015). Collection method: clinical testing. Allele origin: germline.
Comment: This sequence change replaces glycine, which is neutral and non-polar, with arginine, which is basic and polar, at codon 894 of the SH3PXD2B protein (p.Gly894Arg). This variant is present in population databases (rs774654339, gnomAD 0.006%). This variant has not been reported in the literature in individuals affected with SH3PXD2B-related conditions. ClinVar contains an entry for this variant (Variation ID: 1525059). An algorithm developed to predict the effect of missense changes on protein structure and function (PolyPhen-2) suggests that this variant is likely to be disruptive. In summary, the available evidence is currently insufficient to determine the role of this variant in disease. Therefore, it has been classified as a Variant of Uncertain Significance.